The following is an entry in ClinVar:

ClinVar aggregate classification (germline): Uncertain significance (1 of 4 stars; one submission).

Submission:

Labcorp Genetics (formerly Invitae), Labcorp
Classification: Uncertain significance. Last evaluated: 2025-05-01. Review status: criteria provided, single submitter. Criteria: Invitae Variant Classification Sherloc (09022015). Collection method: clinical testing. Allele origin: germline.
Comment: This variant, c.1645_1647del, results in the deletion of 1 amino acid(s) of the CRAT protein (p.Phe549del), but otherwise preserves the integrity of the reading frame. This variant is present in population databases (rs774692110, gnomAD 0.01%). This variant has not been reported in the literature in individuals affected with CRAT-related conditions. Experimental studies and prediction algorithms are not available or were not evaluated, and the functional significance of this variant is currently unknown. In summary, the available evidence is currently insufficient to determine the role of this variant in disease. Therefore, it has been classified as a Variant of Uncertain Significance.

NM_000755.5(CRAT):c.1645_1647del (p.Phe549del)

Gene: CRAT (carnitine O-acetyltransferase; minus strand). Cytogenetic location: 9q34.11.
Variant type: Deletion.
Coding change: c.1645_1647del on transcript NM_000755.5 (MANE Select); coding-DNA positions 1645 to 1647, 3 bases deleted (TTC; older notation c.1645_1647delTTC).
Protein change: p.Phe549del; deletes phenylalanine 549.
Molecular consequence: inframe deletion. On other transcripts: intron variant (2).
Genome position (GRCh38, 1-based): chr9:129,096,016-129,096,018, GAA deleted on the plus strand (TTC on the coding strand, the reverse complement: CRAT is on the minus strand); deleting any 3 consecutive bases within chr9:129,096,016-129,096,019 gives the same sequence; the c. name uses the placement nearest the transcript's 3' end. VCF-style (leftmost placement, unchanged base first): chr9-129096015-GGAA-G. GRCh37 (hg19) VCF-style: chr9-131858294-GGAA-G.
Other names: c.1582_1584del, p.Phe528del (NM_001257363.3, NM_004003.4); c.1648_1650del, p.Phe550del (NM_001346546.2); c.1525_1527del, p.Phe509del (NM_001346549.2); c.1593+52_1593+54del (NM_001346547.2); c.1530+52_1530+54del (NM_001346548.2); short protein forms F509del, F528del, F550del, F549del.
Identifiers: ClinVar variation 4700307 (VCV004700307.1).